The following is an entry in ClinVar:

NC_012920.1(MT-TF):m.624C>T

Gene: MT-TF (mitochondrially encoded tRNA phenylalanine; plus strand).
Variant type: single nucleotide variant.
Genome position: chrM-624-C-T.
Identifiers: ClinVar variation 689821 (VCV000689821.1), dbSNP rs1603218465, ClinGen allele CA913175652.
Genomic context (GRCh38, chrMT:624, plus strand): 5'-GACACCCCCCACAGTTTATGTAGCTTACCTCCTCAAAGCAATACACTGAAAATGTTTAGA[C>T]GGGCTCACATCACCCCATAAACAAATAGGTTTGGTCCTAGCCTTTCTATTAGCTCTTAGT-3'

ClinVar aggregate classification (germline): Uncertain significance (1 of 4 stars; one submission).

Conditions:
MELAS syndrome (MELAS). Also called: Juvenile myopathy, encephalopathy, lactic acidosis, stroke. Identifiers: Orphanet 550, MedGen C0162671, MONDO:0010789, OMIM 540000.

Submission:

Wong Mito Lab, Molecular and Human Genetics, Baylor College of Medicine
Classification: Uncertain significance for MELAS syndrome. Last evaluated: 2019-07-12. Review status: criteria provided, single submitter. Criteria: Modified ACMG Guidelines (Unpublished). Collection method: clinical testing. Allele origin: germline.
Comment: The NC_012920.1:m.624C>T variant in MT-TF gene is interpreted to be a Unknown Significance variant based on the modified ACMG guidelines (unpublished). This variant meets the following evidence codes reported in the guidelines: PP6, PP7, BP4

Literature cited by the submitters: PubMed 31965079.